The following is an entry in ClinVar:

NM_004629.2(FANCG):c.721C>G (p.Pro241Ala)

Gene: FANCG (FA complementation group G; minus strand). Cytogenetic location: 9p13.3.
Variant type: single nucleotide variant.
Coding change: c.721C>G on transcript NM_004629.2 (MANE Select); coding-DNA position 721, C replaced by G.
Protein change: p.Pro241Ala; replaces proline 241 with alanine.
Molecular consequence: missense variant.
Genome position (GRCh38, 1-based): chr9:35,077,027, G>C on the plus strand (C>G on the coding strand, the complement: FANCG is on the minus strand). VCF-style: chr9-35077027-G-C. GRCh37 (hg19) VCF-style: chr9-35077024-G-C.
Other names: short protein forms P241A.
Identifiers: ClinVar variation 5036545 (VCV005036545.1).

ClinVar aggregate classification (germline): Uncertain significance (1 of 4 stars; one submission).

Conditions:
Inborn genetic diseases. Identifiers: MedGen C0950123, MeSH D030342.

Submission:

Ambry Genetics
Classification: Uncertain significance for Inborn genetic diseases. Last evaluated: 2026-09-05. Review status: criteria provided, single submitter. Criteria: Ambry Variant Classification Scheme 2023. Collection method: clinical testing. Allele origin: germline.
Comment: The p.P241A variant (also known as c.721C>G), located in coding exon 6 of the FANCG gene, results from a C to G substitution at nucleotide position 721. The proline at codon 241 is replaced by alanine, an amino acid with highly similar properties. This amino acid position is conserved. In addition, this alteration is predicted to be tolerated by in silico analysis. Based on the available evidence, the clinical significance of this variant remains unclear.